The following is an entry in ClinVar:

ClinVar aggregate classification (germline): Conflicting classifications of pathogenicity. Review status: criteria provided, conflicting classifications (1 of 4 stars). 3 submissions from 3 submitters: Uncertain significance (2); Likely benign (1). Last evaluated 2024-09-22.

Conditions:
Multiple endocrine neoplasia type 4. Also called: MULTIPLE ENDOCRINE NEOPLASIA, TYPE IV. Identifiers: Orphanet 276152, MedGen C1970712, MONDO:0012552, OMIM 610755.
Hereditary cancer-predisposing syndrome. Also called: Neoplastic Syndromes, Hereditary; Hereditary Cancer Syndrome; Hereditary neoplastic syndrome; Tumor predisposition. Identifiers: Orphanet 140162, MedGen C0027672, MeSH D009386, MONDO:0015356.

Allele frequency attached by ClinVar (database versions not stated): gnomAD 0.00001; TOPMed 0.00001; gnomAD exomes below 0.00001.
gnomAD v4.1: 6 of 1,613,982 alleles (0.00037%); highest among the groups gnomAD compares: Non-Finnish European, 0.00051%; no homozygotes.

Submissions (3):

Labcorp Genetics (formerly Invitae), Labcorp
Classification: Uncertain significance for Multiple endocrine neoplasia type 4. Last evaluated: 2024-09-22. Review status: criteria provided, single submitter. Criteria: Invitae Variant Classification Sherloc (09022015). Collection method: clinical testing. Allele origin: germline.
Comment: This sequence change replaces proline, which is neutral and non-polar, with alanine, which is neutral and non-polar, at codon 102 of the CDKN1B protein (p.Pro102Ala). This variant is not present in population databases (gnomAD no frequency). This variant has not been reported in the literature in individuals affected with CDKN1B-related conditions. ClinVar contains an entry for this variant (Variation ID: 640031). An algorithm developed to predict the effect of missense changes on protein structure and function (PolyPhen-2) suggests that this variant¬†is likely to be tolerated. In summary, the available evidence is currently insufficient to determine the role of this variant in disease. Therefore, it has been classified as a Variant of Uncertain Significance.

Ambry Genetics
Classification: Likely benign for Hereditary cancer-predisposing syndrome. Last evaluated: 2024-02-26. Review status: criteria provided, single submitter. Criteria: Ambry Variant Classification Scheme 2023. Collection method: clinical testing. Allele origin: germline.

Baylor Genetics
Classification: Uncertain significance for Multiple endocrine neoplasia type 4. Last evaluated: 2024-02-07. Review status: criteria provided, single submitter. Criteria: ACMG Guidelines, 2015. Collection method: clinical testing. Allele origin: unknown.

NM_004064.5(CDKN1B):c.304C>G (p.Pro102Ala)

Gene: CDKN1B (cyclin dependent kinase inhibitor 1B; plus strand). Cytogenetic location: 12p13.1.
Variant type: single nucleotide variant.
Coding change: c.304C>G on transcript NM_004064.5 (MANE Select); coding-DNA position 304, C replaced by G.
Protein change: p.Pro102Ala; replaces proline 102 with alanine.
Molecular consequence: missense variant.
Genome position (GRCh38, 1-based): chr12:12,718,143, C>G. VCF-style: chr12-12718143-C-G. GRCh37 (hg19) VCF-style: chr12-12871077-C-G.
Other names: short protein forms P102A.
Identifiers: ClinVar variation 640031 (VCV000640031.11), dbSNP rs1249627522, ClinGen allele CA383970141.